The following is an entry in ClinVar:

NM_025137.4(SPG11):c.19G>T (p.Val7Phe)

Gene: SPG11 (SPG11 vesicle trafficking associated, spatacsin; minus strand). Cytogenetic location: 15q21.1.
Variant type: single nucleotide variant.
Coding change: c.19G>T on transcript NM_025137.4 (MANE Select); coding-DNA position 19, G replaced by T.
Protein change: p.Val7Phe; replaces valine 7 with phenylalanine.
Molecular consequence: missense variant.
Genome position (GRCh38, 1-based): chr15:44,663,629, C>A on the plus strand (G>T on the coding strand, the complement: SPG11 is on the minus strand). VCF-style: chr15-44663629-C-A. GRCh37 (hg19) VCF-style: chr15-44955827-C-A.
Other names: c.19G>T, p.Val7Phe (NM_001160227.2); short protein forms V7F.
Identifiers: ClinVar variation 886748 (VCV000886748.10), dbSNP rs774670657, ClinGen allele CA7535986.

ClinVar aggregate classification (germline): Uncertain significance. Review status: criteria provided, multiple submitters, no conflicts (2 of 4 stars). 5 submissions from 3 submitters: Uncertain significance (5). Last evaluated 2022-08-23.

Conditions:
Charcot-Marie-Tooth disease axonal type 2X. Also called: CHARCOT-MARIE-TOOTH DISEASE, AXONAL, AUTOSOMAL RECESSIVE, TYPE 2X; CHARCOT-MARIE-TOOTH NEUROPATHY, TYPE 2X. Identifiers: Orphanet 466775, MedGen C5569024, MONDO:0014726, OMIM 616668.
Hereditary spastic paraplegia 11. Also called: Nakamura Osame syndrome; Autosomal recessive hereditary spastic paraplegia, mental impairment, and thin corpus callosum; Spastic paraplegia, mental retardation and thin corpus callosum; SPASTIC PARAPLEGIA, AUTOSOMAL RECESSIVE, COMPLICATED, WITH THIN CORPUS CALLOSUM; SPASTIC PARAPLEGIA, AUTOSOMAL RECESSIVE, WITH MENTAL IMPAIRMENT AND THIN CORPUS CALLOSUM; Spastic Paraplegia 11. Identifiers: Orphanet 2822, MedGen C1858479, MONDO:0011445, OMIM 604360.
Amyotrophic lateral sclerosis type 5 (ALS5). Also called: AMYOTROPHIC LATERAL SCLEROSIS 5, JUVENILE. Identifiers: Orphanet 300605, MedGen C1865864, MONDO:0011196, OMIM 602099.

Allele frequency attached by ClinVar (database versions not stated): TOPMed 0.00001.
gnomAD v4.1: 11 of 1,595,724 alleles (0.00069%); highest among the groups gnomAD compares: African/African-American, 0.0013%; no homozygotes.

Submissions (5):

Labcorp Genetics (formerly Invitae), Labcorp
Classification: Uncertain significance for Hereditary spastic paraplegia 11. Last evaluated: 2022-08-23. Review status: criteria provided, single submitter. Criteria: Invitae Variant Classification Sherloc (09022015). Collection method: clinical testing. Allele origin: germline.
Comment: This sequence change replaces valine, which is neutral and non-polar, with phenylalanine, which is neutral and non-polar, at codon 7 of the SPG11 protein (p.Val7Phe). The frequency data for this variant in the population databases is considered unreliable, as metrics indicate poor data quality at this position in the gnomAD database. This variant has not been reported in the literature in individuals affected with SPG11-related conditions. ClinVar contains an entry for this variant (Variation ID: 886748). Algorithms developed to predict the effect of missense changes on protein structure and function are either unavailable or do not agree on the potential impact of this missense change (SIFT: "Tolerated"; PolyPhen-2: "Not Available"; Align-GVGD: "Class C0"). Algorithms developed to predict the effect of sequence changes on RNA splicing suggest that this variant may create or strengthen a splice site. In summary, the available evidence is currently insufficient to determine the role of this variant in disease. Therefore, it has been classified as a Variant of Uncertain Significance.

Illumina Laboratory Services, Illumina
Classification: Uncertain significance for Hereditary spastic paraplegia 11. Last evaluated: 2018-01-13. Review status: criteria provided, single submitter. Criteria: ICSL Variant Classification Criteria 13 December 2019. Collection method: clinical testing. Allele origin: germline.

Genome-Nilou Lab
Classification: Uncertain significance for Amyotrophic lateral sclerosis type 5. Review status: criteria provided, single submitter. Criteria: ACMG Guidelines, 2015. Collection method: clinical testing. Allele origin: germline.

Genome-Nilou Lab
Classification: Uncertain significance for Charcot-Marie-Tooth disease axonal type 2X. Review status: criteria provided, single submitter. Criteria: ACMG Guidelines, 2015. Collection method: clinical testing. Allele origin: germline.

Genome-Nilou Lab
Classification: Uncertain significance for Hereditary spastic paraplegia 11. Review status: criteria provided, single submitter. Criteria: ACMG Guidelines, 2015. Collection method: clinical testing. Allele origin: germline.